The following is an entry in ClinVar:

ClinVar aggregate classification (germline): Uncertain significance (1 of 4 stars; one submission).

gnomAD v4.1: 5 of 1,614,144 alleles (0.00031%); highest among the groups gnomAD compares: South Asian, 0.0011%; no homozygotes.

Submission:

GeneDx
Classification: Uncertain significance. Last evaluated: 2024-07-11. Review status: criteria provided, single submitter. Criteria: GeneDx Variant Classification Process June 2021. Collection method: clinical testing. Allele origin: germline. Affected: yes.
Comment: Not observed at significant frequency in large population cohorts (gnomAD); In silico analysis supports that this missense variant has a deleterious effect on protein structure/function; Has not been previously published as pathogenic or benign to our knowledge

NM_017534.6(MYH2):c.3271T>A (p.Phe1091Ile)

Genes: MYH2 (myosin heavy chain 2; minus strand), MYHAS (myosin heavy chain gene cluster antisense RNA; plus strand). Cytogenetic location: 17p13.1.
Variant type: single nucleotide variant.
Coding change: c.3271T>A on transcript NM_017534.6 (MANE Select); coding-DNA position 3271, T replaced by A.
Protein change: p.Phe1091Ile; replaces phenylalanine 1091 with isoleucine.
Molecular consequence: missense variant.
Genome position (GRCh38, 1-based): chr17:10,529,245, A>T on the plus strand (T>A on the coding strand, the complement: MYH2 is on the minus strand). VCF-style: chr17-10529245-A-T. GRCh37 (hg19) VCF-style: chr17-10432562-A-T.
Other names: c.3271T>A, p.Phe1091Ile (NM_001100112.2); short protein forms F1091I.
Identifiers: ClinVar variation 3572539 (VCV003572539.1).